The following is an entry in ClinVar:

NM_015102.5(NPHP4):c.3310G>A (p.Ala1104Thr)

Gene: NPHP4 (nephrocystin 4; minus strand). Cytogenetic location: 1p36.31.
Variant type: single nucleotide variant.
Coding change: c.3310G>A on transcript NM_015102.5 (MANE Select); coding-DNA position 3310, G replaced by A.
Protein change: p.Ala1104Thr; replaces alanine 1104 with threonine.
Molecular consequence: missense variant. On other transcripts: non-coding transcript variant (1).
Genome position (GRCh38, 1-based): chr1:5,873,257, C>T on the plus strand (G>A on the coding strand, the complement: NPHP4 is on the minus strand). VCF-style: chr1-5873257-C-T. GRCh37 (hg19) VCF-style: chr1-5933317-C-T.
Other names: c.3310G>A (NM_015102.3); c.1771G>A, p.Ala591Thr (NM_001291593.2); c.1774G>A, p.Ala592Thr (NM_001291594.2); short protein forms A1104T, A592T, A591T.
Identifiers: ClinVar variation 1494021 (VCV001494021.9), dbSNP rs747313030, ClinGen allele CA553710.

ClinVar aggregate classification (germline): Uncertain significance. Review status: criteria provided, multiple submitters, no conflicts (2 of 4 stars). 3 submissions from 3 submitters: Uncertain significance (3). Last evaluated 2023-10-19.

Conditions:
Nephronophthisis. Also called: Juvenile Nephronophthisis. Identifiers: Orphanet 655, MedGen C0687120, MONDO:0019005, HP:0000090.
Inborn genetic diseases. Identifiers: MedGen C0950123, MeSH D030342.
Nephronophthisis 4 (NPHP4). Also called: NEPHRONOPHTHISIS 4, JUVENILE. Identifiers: Orphanet 655, MedGen C1847013, MONDO:0011752, OMIM 606966.
Senior-Loken syndrome 4 (SLSN4). Identifiers: Orphanet 3156, MedGen C1846979, MONDO:0011756, OMIM 606996.

Allele frequency attached by ClinVar (database versions not stated): gnomAD exomes 0.00001 and 0.00002; ExAC 0.00002; gnomAD 0.00004; TOPMed 0.00009.
gnomAD v4.1: 22 of 1,613,188 alleles (0.0014%); highest among the groups gnomAD compares: Admixed American, 0.013%; no homozygotes.

Submissions (3):

Labcorp Genetics (formerly Invitae), Labcorp
Classification: Uncertain significance for Nephronophthisis. Last evaluated: 2023-10-19. Review status: criteria provided, single submitter. Criteria: Invitae Variant Classification Sherloc (09022015). Collection method: clinical testing. Allele origin: germline.
Comment: This sequence change replaces alanine, which is neutral and non-polar, with threonine, which is neutral and polar, at codon 1104 of the NPHP4 protein (p.Ala1104Thr). This variant is present in population databases (rs747313030, gnomAD 0.007%). This variant has not been reported in the literature in individuals affected with NPHP4-related conditions. ClinVar contains an entry for this variant (Variation ID: 1494021). Advanced modeling of protein sequence and biophysical properties (such as structural, functional, and spatial information, amino acid conservation, physicochemical variation, residue mobility, and thermodynamic stability) performed at Invitae indicates that this missense variant is expected to disrupt NPHP4 protein function. In summary, the available evidence is currently insufficient to determine the role of this variant in disease. Therefore, it has been classified as a Variant of Uncertain Significance.

Ambry Genetics
Classification: Uncertain significance for Inborn genetic diseases. Last evaluated: 2023-08-15. Review status: criteria provided, single submitter. Criteria: Ambry Variant Classification Scheme 2023. Collection method: clinical testing. Allele origin: germline.

Fulgent Genetics
Classification: Uncertain significance for Nephronophthisis 4; Senior-Loken syndrome 4. Last evaluated: 2021-12-30. Review status: criteria provided, single submitter. Criteria: ACMG Guidelines, 2015. Collection method: clinical testing. Allele origin: unknown.